The following is an entry in ClinVar:

ClinVar aggregate classification (germline): Conflicting classifications of pathogenicity. Review status: criteria provided, conflicting classifications (1 of 4 stars). 5 submissions from 5 submitters: Uncertain significance (1); Likely benign (4). Last evaluated 2025-07-30.

Conditions:
Hereditary breast ovarian cancer syndrome. Also called: Breast and ovarian cancer; Hereditary breast and/or ovarian cancer syndrome; Hereditary breast and ovarian cancer; Hereditary breast and ovarian cancer syndrome (HBOC); BRCA1- and BRCA2-Associated Hereditary Breast and Ovarian Cancer; Hereditary breast and ovarian cancer syndrome. Identifiers: Orphanet 145, MedGen C0677776, MeSH D061325, MONDO:0003582. Disease mechanism: loss of function.
Hereditary cancer-predisposing syndrome. Also called: Hereditary Cancer Syndrome; Neoplastic Syndromes, Hereditary; Tumor predisposition; Hereditary neoplastic syndrome. Identifiers: Orphanet 140162, MedGen C0027672, MeSH D009386, MONDO:0015356.

Allele frequency attached by ClinVar (database versions not stated): TOPMed below 0.00001; gnomAD 0.00001; gnomAD exomes 0.00001.

Submissions (5):

Labcorp Genetics (formerly Invitae), Labcorp
Classification: Likely benign for Hereditary breast ovarian cancer syndrome. Last evaluated: 2025-07-30. Review status: criteria provided, single submitter. Criteria: Invitae Variant Classification Sherloc (09022015). Collection method: clinical testing. Allele origin: germline.

Color Diagnostics, LLC DBA Color Health
Classification: Uncertain significance for Hereditary cancer-predisposing syndrome. Last evaluated: 2025-05-27. Review status: criteria provided, single submitter. Criteria: ACMG Guidelines, 2015. Collection method: clinical testing. Allele origin: germline.
Comment: This missense variant replaces serine with cysteine at codon 1336 of the BRCA1 protein. Computational prediction suggests that this variant may not impact protein structure and function. To our knowledge, functional studies have not been reported for this variant. This variant has been detected in a breast cancer case-control meta-analysis in 0/60466 cases and 1/53461 unaffected individuals (PMID: 33471991Leiden Open Variation Database DB-ID BRCA1_006285).\\ A multifactorial analysis has reported likelihood ratios for pathogenicity of 1.0331 and 0.316 based on co-occurrence with a pathogenic covariant and family history of 1.0331 and 0.316, respectively (PMID: 31131967). This variant has been identified in 1/31408 chromosomes in the general population by the Genome Aggregation Database (gnomAD). The available evidence is insufficient to determine the role of this variant in disease conclusively. Therefore, this variant is classified as a Variant of Uncertain Significance.

Ambry Genetics
Classification: Likely benign for Hereditary cancer-predisposing syndrome. Last evaluated: 2023-05-09. Review status: criteria provided, single submitter. Criteria: Ambry Variant Classification Scheme 2023. Collection method: clinical testing. Allele origin: germline.

University of Washington Department of Laboratory Medicine, University of Washington
Classification: Likely benign for Hereditary cancer-predisposing syndrome. Last evaluated: 2023-03-23. Review status: criteria provided, single submitter. Criteria: Dines et al. (Genet Med. 2020). Collection method: curation. Allele origin: germline.
Comment: Missense variant in a coldspot region where missense variants are very unlikely to be pathogenic (PMID:31911673).

BRCA1 coldspot (exon 11 using historical exon numbering). Reclassification based on statistical prior probability

GeneDx
Classification: Likely benign. Last evaluated: 2019-08-28. Review status: criteria provided, single submitter. Criteria: GeneDx Variant Classification Process June 2021. Collection method: clinical testing. Allele origin: germline. Affected: yes.

Literature cited by the submitters: PubMed 31131967 (cited by Color Diagnostics, LLC DBA Color Health and Ambry Genetics); PubMed 33471991 (cited by Color Diagnostics, LLC DBA Color Health).

NM_007294.4(BRCA1):c.4006A>T (p.Ser1336Cys)

Genes: BRCA1 (BRCA1 DNA repair associated; minus strand), LOC126862571 (BRD4-independent group 4 enhancer GRCh37_chr17:41243136-41244335; plus strand). Cytogenetic location: 17q21.31.
Variant type: single nucleotide variant.
Coding change: c.4006A>T on transcript NM_007294.4 (MANE Select); coding-DNA position 4006, A replaced by T.
Protein change: p.Ser1336Cys; replaces serine 1336 with cysteine.
Molecular consequence: missense variant. On other transcripts: intron variant (135).
Genome position (GRCh38, 1-based): chr17:43,091,525, T>A on the plus strand (A>T on the coding strand, the complement: BRCA1 is on the minus strand). VCF-style: chr17-43091525-T-A. GRCh37 (hg19) VCF-style: chr17-41243542-T-A.
Other names: c.3883A>T, p.Ser1295Cys (NM_001407938.1, NM_001407648.1, NM_001407939.1 and 19 more transcripts); c.4006A>T, p.Ser1336Cys (NM_001407640.1, NM_001407641.1, NM_001407642.1 and 30 more transcripts); c.4003A>T, p.Ser1335Cys (NM_001407644.1, NM_001407645.1, NM_001407861.1 and 22 more transcripts); c.3862A>T, p.Ser1288Cys (NM_001407943.1, NM_001407964.1, NM_001407740.1 and 20 more transcripts); c.3865A>T, p.Ser1289Cys (NM_001407944.1, NM_001407945.1, NM_001407942.1 and 29 more transcripts); c.3997A>T, p.Ser1333Cys (NM_001407646.1, NM_001407647.1); c.3880A>T, p.Ser1294Cys (NM_001407940.1, NM_001407941.1, NM_001407649.1 and 11 more transcripts); c.3805A>T, p.Ser1269Cys (NM_001407862.1); and 41 more; short protein forms S1336C, S1289C, S1040C, S1168C, S1247C, S1265C, S1266C, S1294C.
Identifiers: ClinVar variation 489719 (VCV000489719.29), dbSNP rs976725810, ClinGen allele CA10593950.